The following is an entry in ClinVar:

NM_006796.3(AFG3L2):c.113C>A (p.Thr38Lys)

Gene: AFG3L2 (AFG3 like matrix AAA peptidase subunit 2; minus strand). Cytogenetic location: 18p11.21.
Variant type: single nucleotide variant.
Coding change: c.113C>A on transcript NM_006796.3 (MANE Select); coding-DNA position 113, C replaced by A.
Protein change: p.Thr38Lys; replaces threonine 38 with lysine.
Molecular consequence: missense variant.
Genome position (GRCh38, 1-based): chr18:12,376,970, G>T on the plus strand (C>A on the coding strand, the complement: AFG3L2 is on the minus strand). VCF-style: chr18-12376970-G-T. GRCh37 (hg19) VCF-style: chr18-12376969-G-T.
Other names: short protein forms T38K.
Identifiers: ClinVar variation 805322 (VCV000805322.4), dbSNP rs1285632115, ClinGen allele CA401955444.
Genomic context (GRCh38, chr18:12,376,970, plus strand): 5'-CGAGCCGGAAGTGGGCCCGAGGCAGGGTGGAGGGCGCCGGGCGCCCAGGTAGGACTCACC[G>T]TCCGGAGGCAGGGCTGCTCGCCCGGGCCCACGCCGCCAGGCACGAGGAGCTGCTGTAGGC-3'
Protein context (NP_006787.2, residues 28-48): VGPGEQPCLR[Thr38Lys]LYRFVTTQAR

ClinVar aggregate classification (germline): Uncertain significance. Review status: criteria provided, multiple submitters, no conflicts (2 of 4 stars). 2 submissions from 2 submitters: Uncertain significance (2). Last evaluated 2023-10-11.

Allele frequency attached by ClinVar (database versions not stated): TOPMed below 0.00001.
gnomAD v4.1: 1 of 1,457,106 alleles (0.000069%); highest among the groups gnomAD compares: Non-Finnish European, 0.00009%; no homozygotes.

Submissions (2):

Labcorp Genetics (formerly Invitae), Labcorp
Classification: Uncertain significance. Last evaluated: 2023-10-11. Review status: criteria provided, single submitter. Criteria: Invitae Variant Classification Sherloc (09022015). Collection method: clinical testing. Allele origin: germline.
Comment: This sequence change replaces threonine, which is neutral and polar, with lysine, which is basic and polar, at codon 38 of the AFG3L2 protein (p.Thr38Lys). This variant is not present in population databases (gnomAD no frequency). This variant has not been reported in the literature in individuals affected with AFG3L2-related conditions. ClinVar contains an entry for this variant (Variation ID: 805322). An algorithm developed to predict the effect of missense changes on protein structure and function (PolyPhen-2) suggests that this variant is likely to be tolerated. In summary, the available evidence is currently insufficient to determine the role of this variant in disease. Therefore, it has been classified as a Variant of Uncertain Significance.

Athena Diagnostics
Classification: Uncertain significance. Last evaluated: 2018-11-16. Review status: criteria provided, single submitter. Criteria: Athena Diagnostics Criteria. Collection method: clinical testing. Allele origin: germline.